The following is an entry in ClinVar:

NM_003786.4(ABCC3):c.1866C>T (p.Ser622=)

Gene: ABCC3 (ATP binding cassette subfamily C member 3; plus strand). Cytogenetic location: 17q21.33.
Variant type: single nucleotide variant.
Coding change: c.1866C>T on transcript NM_003786.4 (MANE Select); coding-DNA position 1866, C replaced by T.
Protein change: p.Ser622=; no amino-acid change (serine 622 retained).
Molecular consequence: synonymous variant.
Genome position (GRCh38, 1-based): chr17:50,668,513, C>T. VCF-style: chr17-50668513-C-T. GRCh37 (hg19) VCF-style: chr17-48745874-C-T.
Identifiers: ClinVar variation 2647945 (VCV002647945.24), dbSNP rs2545972590, ClinGen allele CA500872271.

ClinVar aggregate classification (germline): Likely benign (1 of 4 stars; one submission).

Submission:

CeGaT Center for Human Genetics Tuebingen
Classification: Likely benign. Last evaluated: 2023-01-01. Review status: criteria provided, single submitter. Criteria: CeGaT Center For Human Genetics Tuebingen Variant Classification Criteria Version 2. Collection method: clinical testing. Allele origin: germline. Affected: yes. Observed: 1 variant allele.
Comment: ABCC3: PM2:Supporting, BP4, BP7